The following is an entry in ClinVar:

ClinVar aggregate classification (germline): Uncertain significance (1 of 4 stars; one submission).

Conditions:
Hereditary cancer-predisposing syndrome. Also called: Neoplastic Syndromes, Hereditary; Hereditary neoplastic syndrome; Tumor predisposition; Hereditary Cancer Syndrome. Identifiers: Orphanet 140162, MedGen C0027672, MeSH D009386, MONDO:0015356.

gnomAD v4.1: 1 of 1,613,382 alleles (0.000062%); highest among the groups gnomAD compares: Non-Finnish European, 0.000085%; no homozygotes.

Submission:

Ambry Genetics
Classification: Uncertain significance for Hereditary cancer-predisposing syndrome. Last evaluated: 2026-01-25. Review status: criteria provided, single submitter. Criteria: Ambry Variant Classification Scheme 2023. Collection method: clinical testing. Allele origin: germline.
Comment: The p.L1035M variant (also known as c.3103C>A), located in coding exon 19 of the ALK gene, results from a C to A substitution at nucleotide position 3103. The leucine at codon 1035 is replaced by methionine, an amino acid with highly similar properties. This amino acid position is conserved. In addition, the in silico prediction for this alteration is inconclusive. Based on the available evidence, the clinical significance of this variant remains unclear.

NM_004304.5(ALK):c.3103C>A (p.Leu1035Met)

Gene: ALK (ALK receptor tyrosine kinase; minus strand). Cytogenetic location: 2p23.2.
Variant type: single nucleotide variant.
Coding change: c.3103C>A on transcript NM_004304.5 (MANE Select); coding-DNA position 3103, C replaced by A.
Protein change: p.Leu1035Met; replaces leucine 1035 with methionine.
Molecular consequence: missense variant.
Genome position (GRCh38, 1-based): chr2:29,225,530, G>T on the plus strand (C>A on the coding strand, the complement: ALK is on the minus strand). VCF-style: chr2-29225530-G-T. GRCh37 (hg19) VCF-style: chr2-29448396-G-T.
Other names: short protein forms L1035M.
Identifiers: ClinVar variation 4824816 (VCV004824816.1).